The following is an entry in ClinVar:

NM_000188.3(HK1):c.1849A>G (p.Ile617Val)

Gene: HK1 (hexokinase 1; plus strand). Cytogenetic location: 10q22.1.
Variant type: single nucleotide variant.
Coding change: c.1849A>G on transcript NM_000188.3 (MANE Select); coding-DNA position 1849, A replaced by G.
Protein change: p.Ile617Val; replaces isoleucine 617 with valine.
Molecular consequence: missense variant.
Genome position (GRCh38, 1-based): chr10:69,386,332, A>G. VCF-style: chr10-69386332-A-G. GRCh37 (hg19) VCF-style: chr10-71146088-A-G.
Other names: c.1861A>G, p.Ile621Val (NM_001322364.2, NM_001358263.1, NM_033497.3 and 1 more transcripts); c.1954A>G, p.Ile652Val (NM_001322365.2); c.1765A>G, p.Ile589Val (NM_001322366.1); c.1753A>G, p.Ile585Val (NM_001322367.1); c.1846A>G, p.Ile616Val (NM_033496.3); c.1813A>G, p.Ile605Val (NM_033500.2); short protein forms I616V, I605V, I621V, I585V, I589V, I617V, I652V.
Identifiers: ClinVar variation 1949403 (VCV001949403.3), dbSNP rs760127339, ClinGen allele CA5532710.

ClinVar aggregate classification (germline): Conflicting classifications of pathogenicity. Review status: criteria provided, conflicting classifications (1 of 4 stars). 2 submissions from 2 submitters: Uncertain significance (1); Benign (1). Last evaluated 2023-10-01.

Conditions:
Retinal dystrophy. Also called: Inherited retinal dystrophy. Identifiers: Orphanet 71862, MedGen C0854723, MeSH D058499, MONDO:0019118, HP:0000556.

Allele frequency attached by ClinVar (database versions not stated): gnomAD 0.00001; gnomAD exomes 0.00001; ExAC 0.00002; TOPMed 0.00002.
gnomAD v4.1: 19 of 1,613,670 alleles (0.0012%); highest among the groups gnomAD compares: East Asian, 0.042%; no homozygotes.

Submissions (2):

Dept Of Ophthalmology, Nagoya University
Classification: Benign for Retinal dystrophy. Last evaluated: 2023-10-01. Review status: criteria provided, single submitter. Criteria: Submitter's publication. Collection method: research. Allele origin: germline. Affected: yes.

Labcorp Genetics (formerly Invitae), Labcorp
Classification: Uncertain significance. Last evaluated: 2022-04-23. Review status: criteria provided, single submitter. Criteria: Invitae Variant Classification Sherloc (09022015). Collection method: clinical testing. Allele origin: germline.
Comment: This sequence change replaces isoleucine, which is neutral and non-polar, with valine, which is neutral and non-polar, at codon 617 of the HK1 protein (p.Ile617Val). This variant is present in population databases (rs760127339, gnomAD 0.04%). This variant has not been reported in the literature in individuals affected with HK1-related conditions. Algorithms developed to predict the effect of missense changes on protein structure and function output the following: SIFT: "Tolerated"; PolyPhen-2: "Benign"; Align-GVGD: "Class C0". The valine amino acid residue is found in multiple mammalian species, which suggests that this missense change does not adversely affect protein function. In summary, the available evidence is currently insufficient to determine the role of this variant in disease. Therefore, it has been classified as a Variant of Uncertain Significance.